The following is an entry in ClinVar:

NM_005902.4(SMAD3):c.1009+69G>C

Gene: SMAD3 (SMAD family member 3; plus strand). Cytogenetic location: 15q22.33.
Variant type: single nucleotide variant.
Coding change: c.1009+69G>C on transcript NM_005902.4 (MANE Select); 69 bases into the intron after coding-DNA position 1009, G replaced by C.
Molecular consequence: intron variant.
Genome position (GRCh38, 1-based): chr15:67,184,933, G>C. VCF-style: chr15-67184933-G-C. GRCh37 (hg19) VCF-style: chr15-67477271-G-C.
Other names: c.694+69G>C (NM_001145102.2); c.877+69G>C (NM_001145103.2); c.424+69G>C (NM_001145104.2).
Identifiers: ClinVar variation 675257 (VCV000675257.2), dbSNP rs58056680, ClinGen allele CA14162331.

ClinVar aggregate classification (germline): Benign. Review status: criteria provided, multiple submitters, no conflicts (2 of 4 stars). 2 submissions from 2 submitters: Benign (2). Last evaluated 2018-06-16.

Allele frequency attached by ClinVar (database versions not stated): gnomAD exomes 0.00172; gnomAD 0.01738 and 0.01875; 1000 Genomes Project 0.01877; TOPMed 0.01973; 1000 Genomes Project 30x 0.02217.
gnomAD v4.1: 5,172 of 1,584,736 alleles (0.33%); highest among the groups gnomAD compares: African/African-American, 6.3%; 162 homozygotes.

Submissions (2):

GeneDx
Classification: Benign. Last evaluated: 2018-06-16. Review status: criteria provided, single submitter. Criteria: GeneDx Variant Classification (06012015). Collection method: clinical testing. Allele origin: germline. Affected: yes.
Comment: This variant is considered likely benign or benign based on one or more of the following criteria: it is a conservative change, it occurs at a poorly conserved position in the protein, it is predicted to be benign by multiple in silico algorithms, and/or has population frequency not consistent with disease.

Breakthrough Genomics
Classification: Benign. Review status: criteria provided, single submitter. Criteria: ACMG Guidelines, 2015. Collection method: not provided. Allele origin: germline. Inheritance: Autosomal dominant inheritance. Affected: yes.